The following is an entry in ClinVar:

NM_014991.6(WDFY3):c.8656G>C (p.Asp2886His)

Gene: WDFY3 (WD repeat and FYVE domain containing 3; minus strand). Cytogenetic location: 4q21.23.
Variant type: single nucleotide variant.
Coding change: c.8656G>C on transcript NM_014991.6 (MANE Select); coding-DNA position 8656, G replaced by C.
Protein change: p.Asp2886His; replaces aspartic acid 2886 with histidine.
Molecular consequence: missense variant.
Genome position (GRCh38, 1-based): chr4:84,696,764, C>G on the plus strand (G>C on the coding strand, the complement: WDFY3 is on the minus strand). VCF-style: chr4-84696764-C-G. GRCh37 (hg19) VCF-style: chr4-85617917-C-G.
Other names: short protein forms D2886H.
Identifiers: ClinVar variation 2500659 (VCV002500659.1), dbSNP rs2530930674, ClinGen allele CA357538971.

ClinVar aggregate classification (germline): Uncertain significance (1 of 4 stars; one submission).

Submission:

GeneDx
Classification: Uncertain significance. Last evaluated: 2022-10-27. Review status: criteria provided, single submitter. Criteria: GeneDx Variant Classification Process June 2021. Collection method: clinical testing. Allele origin: germline. Affected: yes.
Comment: Not observed at significant frequency in large population cohorts (gnomAD); In silico analysis supports that this missense variant has a deleterious effect on protein structure/function; Has not been previously published as pathogenic or benign to our knowledge